The following is an entry in ClinVar:

ClinVar aggregate classification (germline): Uncertain significance (1 of 4 stars; one submission).

Submission:

Labcorp Genetics (formerly Invitae), Labcorp
Classification: Uncertain significance. Last evaluated: 2025-10-03. Review status: criteria provided, single submitter. Criteria: Invitae Variant Classification Sherloc (09022015). Collection method: clinical testing. Allele origin: germline.
Comment: This sequence change replaces leucine, which is neutral and non-polar, with proline, which is neutral and non-polar, at codon 62 of the DFNA5 protein (p.Leu62Pro). This variant is not present in population databases (gnomAD no frequency). This variant has not been reported in the literature in individuals affected with DFNA5-related conditions. This missense change has been observed in at least one individual who was not affected with DFNA5-related conditions (internal data). Invitae Evidence Modeling of protein sequence and biophysical properties (such as structural, functional, and spatial information, amino acid conservation, physicochemical variation, residue mobility, and thermodynamic stability) indicates that this missense variant is expected to disrupt DFNA5 protein function with a positive predictive value of 80%. In summary, the available evidence is currently insufficient to determine the role of this variant in disease. Therefore, it has been classified as a Variant of Uncertain Significance.

NM_001127453.2(GSDME):c.185T>C (p.Leu62Pro)

Gene: GSDME (gasdermin E; minus strand). Cytogenetic location: 7p15.3.
Variant type: single nucleotide variant.
Coding change: c.185T>C on transcript NM_001127453.2 (MANE Select); coding-DNA position 185, T replaced by C.
Protein change: p.Leu62Pro; replaces leucine 62 with proline.
Molecular consequence: missense variant. On other transcripts: intron variant (2).
Genome position (GRCh38, 1-based): chr7:24,749,590, A>G on the plus strand (T>C on the coding strand, the complement: GSDME is on the minus strand). VCF-style: chr7-24749590-A-G. GRCh37 (hg19) VCF-style: chr7-24789209-A-G.
Other names: c.185T>C, p.Leu62Pro (NM_004403.3); c.-281-4836T>C (NM_001127454.2, NM_001438059.1); short protein forms L62P.
Identifiers: ClinVar variation 4744315 (VCV004744315.1).